The following is an entry in ClinVar:

NM_022575.4(VPS16):c.1326T>A (p.Tyr442Ter)

Gene: VPS16 (VPS16 core subunit of CORVET and HOPS complexes; plus strand). Cytogenetic location: 20p13.
Variant type: single nucleotide variant.
Coding change: c.1326T>A on transcript NM_022575.4 (MANE Select); coding-DNA position 1326, T replaced by A.
Protein change: p.Tyr442Ter; replaces tyrosine 442 with a stop codon.
Molecular consequence: nonsense. On other transcripts: intron variant (1).
Genome position (GRCh38, 1-based): chr20:2,862,929, T>A. VCF-style: chr20-2862929-T-A. GRCh37 (hg19) VCF-style: chr20-2843575-T-A.
Other names: c.900-136T>A (NM_080413.3); short protein forms Y442*.
Identifiers: ClinVar variation 3342195 (VCV003342195.16).

ClinVar aggregate classification (germline): Pathogenic (1 of 4 stars; one submission).

gnomAD v4.1: 4 of 1,613,892 alleles (0.00025%); highest among the groups gnomAD compares: Non-Finnish European, 0.00025%; no homozygotes.

Submission:

CeGaT Center for Human Genetics Tuebingen
Classification: Pathogenic. Last evaluated: 2024-08-01. Review status: criteria provided, single submitter. Criteria: CeGaT Center For Human Genetics Tuebingen Variant Classification Criteria Version 2. Collection method: clinical testing. Allele origin: germline. Affected: yes. Observed: 1 variant allele.
Comment: VPS16: PVS1, PM2